The following is an entry in ClinVar:

ClinVar aggregate classification (germline): Conflicting classifications of pathogenicity. Review status: criteria provided, conflicting classifications (1 of 4 stars). 4 submissions from 4 submitters: Uncertain significance (1); Benign (1); Likely benign (1). 1 of the submissions does not count toward it. Last evaluated 2026-04-16.

Conditions:
SHH-related disorder. Also called: SHH-related condition; SHH-related disorders.
Inborn genetic diseases. Identifiers: MedGen C0950123, MeSH D030342.

Allele frequency attached by ClinVar (database versions not stated): gnomAD 0.00062; ExAC 0.00228.

Submissions (4):

GeneDx
Classification: Uncertain significance. Last evaluated: 2026-04-16. Review status: criteria provided, single submitter. Criteria: GeneDx Variant Classification Process June 2021. Collection method: clinical testing. Allele origin: germline.
Comment: Identified as heterozygous in a patient with small anterior pituitary and ectopic posterior pituitary, combined pituitary hormone deficiency, and reduced bone age (PMID: 22897141); Functional studies suggest that the variant causes mRNA instability which results in decreased expression of the gene, however, the full effect on protein function is unclear (PMID: 22897141); Located in a regulatory region; in the absence of functional studies, the actual effect of this sequence change is unknown; This variant is associated with the following publications: (PMID: 34426522, 22897141)

CeGaT Center for Human Genetics Tuebingen
Classification: Benign. Last evaluated: 2025-08-01. Review status: criteria provided, single submitter. Criteria: CeGaT Center For Human Genetics Tuebingen Variant Classification Criteria Version 2. Collection method: clinical testing. Allele origin: germline. Affected: yes. Observed: 1 variant allele.
Comment: SHH: BS1, BS2

Ambry Genetics
Classification: Likely benign for Inborn genetic diseases. Last evaluated: 2024-04-05. Review status: criteria provided, single submitter. Criteria: Ambry Variant Classification Scheme 2023. Collection method: clinical testing. Allele origin: germline.

PreventionGenetics, part of Exact Sciences
Classification: Likely benign for SHH-related condition. Last evaluated: 2022-10-20. Review status: no assertion criteria provided. Collection method: clinical testing. Allele origin: germline. Not counted in ClinVar's aggregate classification.
Comment: This variant is classified as likely benign based on ACMG/AMP sequence variant interpretation guidelines (Richards et al. 2015 PMID: 25741868, with internal and published modifications).

NM_000193.4(SHH):c.*8G>T

Gene: SHH (sonic hedgehog signaling molecule; minus strand). Cytogenetic location: 7q36.3.
Variant type: single nucleotide variant.
Coding change: c.*8G>T on transcript NM_000193.4 (MANE Select); 8 bases downstream of the stop codon, G replaced by T.
Molecular consequence: 3 prime UTR variant. On other transcripts: intron variant (1).
Genome position (GRCh38, 1-based): chr7:155,802,892, C>A on the plus strand (G>T on the coding strand, the complement: SHH is on the minus strand). VCF-style: chr7-155802892-C-A. GRCh37 (hg19) VCF-style: chr7-155595586-C-A.
Other names: c.302-2647G>T (NM_001310462.2, NM_001310462.1); c.*8G>T (NM_000193.2).
Identifiers: ClinVar variation 2502791 (VCV002502791.13), dbSNP rs754480431, ClinGen allele CA4586869.